The following is an entry in ClinVar:

ClinVar aggregate classification (germline): Conflicting classifications of pathogenicity. Review status: criteria provided, conflicting classifications (1 of 4 stars). 5 submissions from 5 submitters: Uncertain significance (4); Likely benign (1). Last evaluated 2025-12-10.

Conditions:
ALPK3-related disorder. Also called: ALPK3-related condition.
Cardiovascular phenotype. Identifiers: MedGen CN230736.

Allele frequency attached by ClinVar (database versions not stated): TOPMed 0.00003.
gnomAD v4.1: 25 of 1,612,520 alleles (0.0016%); highest among the groups gnomAD compares: Middle Eastern, 0.017%; no homozygotes.

Submissions (5):

Labcorp Genetics (formerly Invitae), Labcorp
Classification: Uncertain significance. Last evaluated: 2025-12-10. Review status: criteria provided, single submitter. Criteria: Invitae Variant Classification Sherloc (09022015). Collection method: clinical testing. Allele origin: germline.
Comment: This sequence change replaces arginine, which is basic and polar, with cysteine, which is neutral and slightly polar, at codon 1248 of the ALPK3 protein (p.Arg1248Cys). This variant is present in population databases (rs34414438, gnomAD 0.007%). This variant has not been reported in the literature in individuals affected with ALPK3-related conditions. ClinVar contains an entry for this variant (Variation ID: 1363738). Invitae Evidence Modeling of protein sequence and biophysical properties (such as structural, functional, and spatial information, amino acid conservation, physicochemical variation, residue mobility, and thermodynamic stability) indicates that this missense variant is expected to disrupt ALPK3 protein function with a positive predictive value of 80%. In summary, the available evidence is currently insufficient to determine the role of this variant in disease. Therefore, it has been classified as a Variant of Uncertain Significance.

PreventionGenetics, part of Exact Sciences
Classification: Uncertain significance for ALPK3-related condition. Last evaluated: 2025-10-10. Review status: criteria provided, single submitter. Criteria: ACMG Guidelines, 2015. Collection method: clinical testing. Allele origin: germline.
Comment: The ALPK3 c.3742C>T variant is predicted to result in the amino acid substitution p.Arg1248Cys. To our knowledge, this variant has not been reported in the literature. This variant is reported in 0.0066% of alleles in individuals of South Asian descent in gnomAD. At this time, the clinical significance of this variant is uncertain due to the absence of conclusive functional and genetic evidence.

Mayo Clinic Laboratories, Mayo Clinic
Classification: Uncertain significance. Last evaluated: 2025-08-22. Review status: criteria provided, single submitter. Criteria: ACMG Guidelines, 2015. Collection method: clinical testing. Allele origin: germline. Observed: 1 variant allele.
Comment: BP4

Molecular Diagnostic Laboratory for Inherited Cardiovascular Disease, Montreal Heart Institute
Classification: Likely benign. Last evaluated: 2025-04-09. Review status: criteria provided, single submitter. Criteria: ACMG Guidelines, 2015. Collection method: clinical testing. Allele origin: germline. Affected: no.
Comment: PM2, BP1

Ambry Genetics
Classification: Uncertain significance for Cardiovascular phenotype. Last evaluated: 2024-06-20. Review status: criteria provided, single submitter. Criteria: Ambry Variant Classification Scheme 2023. Collection method: clinical testing. Allele origin: germline.
Comment: The p.R1248C variant (also known as c.3742C>T), located in coding exon 6 of the ALPK3 gene, results from a C to T substitution at nucleotide position 3742. The arginine at codon 1248 is replaced by cysteine, an amino acid with highly dissimilar properties. This amino acid position is conserved. In addition, this alteration is predicted to be tolerated by in silico analysis. Since supporting evidence is limited at this time, the clinical significance of this alteration remains unclear.

NM_020778.5(ALPK3):c.3136C>T (p.Arg1046Cys)

Gene: ALPK3 (alpha kinase 3; plus strand). Cytogenetic location: 15q25.3.
Variant type: single nucleotide variant.
Coding change: c.3136C>T on transcript NM_020778.5 (MANE Select); coding-DNA position 3136, C replaced by T.
Protein change: p.Arg1046Cys; replaces arginine 1046 with cysteine.
Molecular consequence: missense variant.
Genome position (GRCh38, 1-based): chr15:84,857,874, C>T. VCF-style: chr15-84857874-C-T. GRCh37 (hg19) VCF-style: chr15-85401105-C-T.
Other names: p.Arg1248Cys; short protein forms R1046C.
Identifiers: ClinVar variation 1363738 (VCV001363738.12), dbSNP rs34414438, ClinGen allele CA7709562.